The following is an entry in ClinVar:

ClinVar aggregate classification (germline): Uncertain significance (1 of 4 stars; one submission).

Submission:

Labcorp Genetics (formerly Invitae), Labcorp
Classification: Uncertain significance. Last evaluated: 2022-03-12. Review status: criteria provided, single submitter. Criteria: Invitae Variant Classification Sherloc (09022015). Collection method: clinical testing. Allele origin: germline.
Comment: In summary, the available evidence is currently insufficient to determine the role of this variant in disease. Therefore, it has been classified as a Variant of Uncertain Significance. Experimental studies and prediction algorithms are not available or were not evaluated, and the functional significance of this variant is currently unknown. This variant has not been reported in the literature in individuals affected with DNAH9-related conditions. This variant results in a copy number gain of the genomic region encompassing exon(s) 6-7 of the DNAH9 gene. While the exact position of this variant cannot be determined from the data, sub-genic copy number gains are generally in tandem (PMID: 25640679). This variant is predicted to be in-frame, and likely preserves the integrity of the reading frame.

Literature cited by the submitters: PubMed 25640679.

NC_000017.10:g.(?_11522845)_(11532921_?)dup

Gene: DNAH9 (dynein axonemal heavy chain 9; plus strand). Cytogenetic location: 17p12.
Variant type: Duplication.
Identifiers: ClinVar variation 2424152 (VCV002424152.4).